The following is an entry in ClinVar:

NM_177973.2(SULT2B1):c.803G>A (p.Arg268His)

Gene: SULT2B1 (sulfotransferase family 2B member 1; plus strand). Cytogenetic location: 19q13.33.
Variant type: single nucleotide variant.
Coding change: c.803G>A on transcript NM_177973.2 (MANE Select); coding-DNA position 803, G replaced by A.
Protein change: p.Arg268His; replaces arginine 268 with histidine.
Molecular consequence: missense variant.
Genome position (GRCh38, 1-based): chr19:48,596,896, G>A. VCF-style: chr19-48596896-G-A. GRCh37 (hg19) VCF-style: chr19-49100153-G-A.
Other names: c.758G>A, p.Arg253His (NM_004605.2); short protein forms R253H, R268H.
Identifiers: ClinVar variation 782627 (VCV000782627.11), dbSNP rs146884008, ClinGen allele CA9553220.
Genomic context (GRCh38, chr19:48,596,896, plus strand): 5'-CCATGAAGGCCAACACCATGTCCAACTACACGCTGCTGCCTCCCAGCCTGCTGGACCACC[G>A]TCGCGGGGCCTTCCTCCGGAAAGGTGCGGGGGTTCTGGGGTTCAGAGCCCACTAGGCCAC-3'
Protein context (NP_814444.1, residues 258-278): TLLPPSLLDH[Arg268His]RGAFLRKGVC

ClinVar aggregate classification (germline): Likely benign. Review status: criteria provided, multiple submitters, no conflicts (2 of 4 stars). 3 submissions from 3 submitters: Likely benign (3). Last evaluated 2026-01-05.

Conditions:
SULT2B1-related disorder. Also called: SULT2B1-related condition.

Allele frequency attached by ClinVar (database versions not stated): gnomAD exomes 0.00232 and 0.00154; 1000 Genomes Project 0.00040; 1000 Genomes Project 30x 0.00047; TOPMed 0.00166; gnomAD 0.00173 and 0.00182; ExAC 0.00210; ESP Exome Variant Server 0.00223.
gnomAD v4.1: 3,607 of 1,601,302 alleles (0.23%); highest among the groups gnomAD compares: Non-Finnish European, 0.28%; 9 homozygotes.

Submissions (3):

Labcorp Genetics (formerly Invitae), Labcorp
Classification: Likely benign. Last evaluated: 2026-01-05. Review status: criteria provided, single submitter. Criteria: Invitae Variant Classification Sherloc (09022015). Collection method: clinical testing. Allele origin: germline.

PreventionGenetics, part of Exact Sciences
Classification: Likely benign for SULT2B1-related condition. Last evaluated: 2025-04-22. Review status: criteria provided, single submitter. Criteria: ACMG Guidelines, 2015. Collection method: clinical testing. Allele origin: germline.
Comment: This variant is classified as likely benign based on ACMG/AMP sequence variant interpretation guidelines (Richards et al. 2015 PMID: 25741868, with internal and published modifications).

Breakthrough Genomics
Classification: Likely benign. Review status: criteria provided, single submitter. Criteria: ACMG Guidelines, 2015. Collection method: not provided. Allele origin: germline. Inheritance: Autosomal recessive inheritance. Affected: yes.